The following is an entry in ClinVar:

NM_006509.4(RELB):c.163+5G>C

Gene: RELB (RELB proto-oncogene, NF-kB subunit; plus strand). Cytogenetic location: 19q13.32.
Variant type: single nucleotide variant.
Coding change: c.163+5G>C on transcript NM_006509.4 (MANE Select); 5 bases into the intron after coding-DNA position 163, G replaced by C.
Molecular consequence: intron variant.
Genome position (GRCh38, 1-based): chr19:45,009,827, G>C. VCF-style: chr19-45009827-G-C. GRCh37 (hg19) VCF-style: chr19-45513085-G-C.
Other names: c.155-2109G>C (NM_001411087.1).
Identifiers: ClinVar variation 4735800 (VCV004735800.1).
Genomic context (GRCh38, chr19:45,009,827, plus strand): 5'-ACTTTCTGGACCTTACCTTTCTCTTTCTCTTTCTCTTCCTTCCACAGATGAATTGGGTGA[G>C]TATCACAGGGCAGGTTTGCGGGGAGGCTGAGGGACCCAAGTGCCTACAGAAGGGGGTCTT-3'

ClinVar aggregate classification (germline): Uncertain significance (1 of 4 stars; one submission).

Submission:

Labcorp Genetics (formerly Invitae), Labcorp
Classification: Uncertain significance. Last evaluated: 2026-01-20. Review status: criteria provided, single submitter. Criteria: Invitae Variant Classification Sherloc (09022015). Collection method: clinical testing. Allele origin: germline.
Comment: This sequence change falls in intron 3 of the RELB gene. It does not directly change the encoded amino acid sequence of the RELB protein. It affects a nucleotide within the consensus splice site. This variant is not present in population databases (gnomAD no frequency). This variant has not been reported in the literature in individuals affected with RELB-related conditions. Variants that disrupt the consensus splice site are a relatively common cause of aberrant splicing (PMID: 17576681, 9536098). Algorithms developed to predict the effect of sequence changes on RNA splicing suggest that this variant may disrupt the consensus splice site. In summary, the available evidence is currently insufficient to determine the role of this variant in disease. Therefore, it has been classified as a Variant of Uncertain Significance.

Literature cited by the submitters: PubMed 17576681; PubMed 9536098.